The following is an entry in ClinVar:

NM_006306.4(SMC1A):c.2446C>T (p.Arg816Cys)

Gene: SMC1A (structural maintenance of chromosomes 1A; minus strand). Cytogenetic location: Xp11.22.
Variant type: single nucleotide variant.
Coding change: c.2446C>T on transcript NM_006306.4 (MANE Select); coding-DNA position 2446, C replaced by T.
Protein change: p.Arg816Cys; replaces arginine 816 with cysteine.
Molecular consequence: missense variant.
Genome position (GRCh38, 1-based): chrX:53,399,705, G>A on the plus strand (C>T on the coding strand, the complement: SMC1A is on the minus strand). VCF-style: chrX-53399705-G-A. GRCh37 (hg19) VCF-style: chrX-53426627-G-A.
Other names: c.2380C>T, p.Arg794Cys (NM_001281463.1); short protein forms R816C, R794C.
Identifiers: ClinVar variation 463883 (VCV000463883.9), dbSNP rs1556888586, ClinGen allele CA413250707.

ClinVar aggregate classification (germline): Uncertain significance (1 of 4 stars; one submission).

Conditions:
Congenital muscular hypertrophy-cerebral syndrome (CDLS2). Also called: Cornelia de Lange syndrome 2; SMC1A-Related Cornelia de Lange Syndrome. Identifiers: Orphanet 199, MedGen C1802395, MONDO:0010370, OMIM 300590.

Submission:

Labcorp Genetics (formerly Invitae), Labcorp
Classification: Uncertain significance for Congenital muscular hypertrophy-cerebral syndrome. Last evaluated: 2016-08-06. Review status: criteria provided, single submitter. Criteria: Invitae Variant Classification Sherloc (09022015). Collection method: clinical testing. Allele origin: germline.
Comment: In summary, this variant is a novel missense change with uncertain impact on protein function. It has been classified as a Variant of Uncertain Significance. Algorithms developed to predict the effect of missense changes on protein structure and function do not agree on the potential impact of this missense change (SIFT: "Deleterious"; PolyPhen-2: "Probably Damaging"; Align-GVGD: "Class C0"). This variant is not present in population databases (ExAC no frequency) and has not been reported in the literature in individuals with a SMC1A-related disease. This sequence change replaces arginine with cysteine at codon 816 of the SMC1A protein (p.Arg816Cys). The arginine residue is moderately conserved and there is a large physicochemical difference between arginine and cysteine.